The following is an entry in ClinVar:

NM_015164.4(PLEKHM2):c.767C>G (p.Thr256Ser)

Gene: PLEKHM2 (pleckstrin homology and RUN domain containing M2; plus strand). Cytogenetic location: 1p36.21.
Variant type: single nucleotide variant.
Coding change: c.767C>G on transcript NM_015164.4 (MANE Select); coding-DNA position 767, C replaced by G.
Protein change: p.Thr256Ser; replaces threonine 256 with serine.
Molecular consequence: missense variant.
Genome position (GRCh38, 1-based): chr1:15,725,371, C>G. VCF-style: chr1-15725371-C-G. GRCh37 (hg19) VCF-style: chr1-16051866-C-G.
Other names: c.707C>G, p.Thr236Ser (NM_001410755.1); short protein forms T236S, T256S.
Identifiers: ClinVar variation 4812752 (VCV004812752.1).

ClinVar aggregate classification (germline): Uncertain significance (1 of 4 stars; one submission).

Submission:

Labcorp Genetics (formerly Invitae), Labcorp
Classification: Uncertain significance. Last evaluated: 2025-02-12. Review status: criteria provided, single submitter. Criteria: Invitae Variant Classification Sherloc (09022015). Collection method: clinical testing. Allele origin: germline.
Comment: This sequence change replaces threonine, which is neutral and polar, with serine, which is neutral and polar, at codon 256 of the PLEKHM2 protein (p.Thr256Ser). This variant is present in population databases (no rsID available, gnomAD 0.004%). This variant has not been reported in the literature in individuals affected with PLEKHM2-related conditions. An algorithm developed to predict the effect of missense changes on protein structure and function (PolyPhen-2) suggests that this variant is likely to be tolerated. In summary, the available evidence is currently insufficient to determine the role of this variant in disease. Therefore, it has been classified as a Variant of Uncertain Significance.